The following is an entry in ClinVar:

ClinVar aggregate classification (germline): Benign (1 of 4 stars; one submission).

Conditions:
Sjögren-Larsson syndrome (SLS). Also called: ICHTHYOSIS, SPASTIC NEUROLOGIC DISORDER, AND OLIGOPHRENIA; FALDH DEFICIENCY; FATTY ALCOHOL:NAD+ OXIDOREDUCTASE DEFICIENCY; FATTY ALDEHYDE DEHYDROGENASE DEFICIENCY. Identifiers: Orphanet 816, MedGen C0037231, MONDO:0010031, OMIM 270200.

Allele frequency attached by ClinVar (database versions not stated): gnomAD 0.00117; TOPMed 0.00148; 1000 Genomes Project 30x 0.00578; 1000 Genomes Project 0.00619.

Submission:

Illumina Laboratory Services, Illumina
Classification: Benign for Sjögren-Larsson syndrome. Last evaluated: 2018-01-13. Review status: criteria provided, single submitter. Criteria: ICSL Variant Classification Criteria 13 December 2019. Collection method: clinical testing. Allele origin: germline.
Comment: This variant was observed in the ICSL laboratory as part of a predisposition screen in an ostensibly healthy population. It had not been previously curated by ICSL or reported in the Human Gene Mutation Database (HGMD: prior to June 1st, 2018), and was therefore a candidate for classification through an automated scoring system. Utilizing variant allele frequency, disease prevalence and penetrance estimates, and inheritance mode, an automated score was calculated to assess if this variant is too frequent to cause the disease. Based on the score and internal cut-off values, a variant classified as benign is not then subjected to further curation. The score for this variant resulted in a classification of benign for this disease.

NM_000382.3(ALDH3A2):c.*1362G>A

Gene: ALDH3A2 (aldehyde dehydrogenase 3 family member A2; plus strand). Cytogenetic location: 17p11.2.
Variant type: single nucleotide variant.
Coding change: c.*1362G>A on transcript NM_000382.3 (MANE Select); 1362 bases downstream of the stop codon, G replaced by A.
Molecular consequence: 3 prime UTR variant.
Genome position (GRCh38, 1-based): chr17:19,676,934, G>A. VCF-style: chr17-19676934-G-A. GRCh37 (hg19) VCF-style: chr17-19580247-G-A.
Other names: c.*1418G>A (NM_001031806.2, NM_001369136.1, NM_001369137.2); c.*1362G>A (NM_001369138.2, NM_001369139.1, NM_001369148.2); c.*1309G>A (NM_001369146.2).
Identifiers: ClinVar variation 890222 (VCV000890222.4), dbSNP rs79313255, ClinGen allele CA288560636.